The following is an entry in ClinVar:

NM_003718.5(CDK13):c.707G>A (p.Ser236Asn)

Gene: CDK13 (cyclin dependent kinase 13; plus strand). Cytogenetic location: 7p14.1.
Variant type: single nucleotide variant.
Coding change: c.707G>A on transcript NM_003718.5 (MANE Select); coding-DNA position 707, G replaced by A.
Protein change: p.Ser236Asn; replaces serine 236 with asparagine.
Molecular consequence: missense variant.
Genome position (GRCh38, 1-based): chr7:39,951,348, G>A. VCF-style: chr7-39951348-G-A. GRCh37 (hg19) VCF-style: chr7-39990947-G-A.
Other names: c.707G>A, p.Ser236Asn (NM_031267.4); short protein forms S236N.
Identifiers: ClinVar variation 2071349 (VCV002071349.4), dbSNP rs945773716, ClinGen allele CA157707199.

ClinVar aggregate classification (germline): Uncertain significance (1 of 4 stars; one submission).

Allele frequency attached by ClinVar (database versions not stated): gnomAD 0.00001; TOPMed 0.00002.
gnomAD v4.1: 5 of 1,480,458 alleles (0.00034%); highest among the groups gnomAD compares: Admixed American, 0.0048%; no homozygotes.

Submission:

Labcorp Genetics (formerly Invitae), Labcorp
Classification: Uncertain significance. Last evaluated: 2023-11-08. Review status: criteria provided, single submitter. Criteria: Invitae Variant Classification Sherloc (09022015). Collection method: clinical testing. Allele origin: germline.
Comment: This sequence change replaces serine, which is neutral and polar, with asparagine, which is neutral and polar, at codon 236 of the CDK13 protein (p.Ser236Asn). The frequency data for this variant in the population databases is considered unreliable, as metrics indicate poor data quality at this position in the gnomAD database. This variant has not been reported in the literature in individuals affected with CDK13-related conditions. ClinVar contains an entry for this variant (Variation ID: 2071349). Advanced modeling of protein sequence and biophysical properties (such as structural, functional, and spatial information, amino acid conservation, physicochemical variation, residue mobility, and thermodynamic stability) performed at Invitae indicates that this missense variant is not expected to disrupt CDK13 protein function with a negative predictive value of 95%. In summary, the available evidence is currently insufficient to determine the role of this variant in disease. Therefore, it has been classified as a Variant of Uncertain Significance.